The following is an entry in ClinVar:

NM_000535.7(PMS2):c.804-25C>A

Gene: PMS2 (PMS1 homolog 2, mismatch repair system component; minus strand). Cytogenetic location: 7p22.1.
Variant type: single nucleotide variant.
Coding change: c.804-25C>A on transcript NM_000535.7 (MANE Select); 25 bases into the intron before coding-DNA position 804, C replaced by A.
Molecular consequence: intron variant.
Genome position (GRCh38, 1-based): chr7:5,995,658, G>T on the plus strand (C>A on the coding strand, the complement: PMS2 is on the minus strand). VCF-style: chr7-5995658-G-T. GRCh37 (hg19) VCF-style: chr7-6035289-G-T.
Other names: c.486-25C>A (NM_001322008.2, NM_001406902.1, NM_001406883.1 and 4 more transcripts); c.495-25C>A (NM_001406881.1, NM_001406879.1, NM_001322015.2 and 6 more transcripts); c.399-25C>A (NM_001406895.1, NM_001322010.2, NM_001322004.2 and 19 more transcripts); c.133-3601C>A (NM_001406911.1); c.291-25C>A (NM_001406904.1, NM_001406905.1); c.231-25C>A (NM_001322013.2, NM_001406909.1); c.-130-25C>A (NM_001322012.2, NM_001322011.2); c.468-25C>A (NM_001406885.1); and 8 more.
Identifiers: ClinVar variation 3903581 (VCV003903581.1).

ClinVar aggregate classification (germline): Benign (1 of 4 stars; one submission).

Conditions:
Lynch syndrome 4 (LYNCH4). Also called: Colorectal cancer, hereditary nonpolyposis, type 4; Hereditary non-polyposis colorectal cancer, type 4. Identifiers: Orphanet 144, MedGen C1838333, MONDO:0013699, OMIM 614337. Disease mechanism: loss of function.

Submission:

Myriad Genetics, Inc.
Classification: Benign for Lynch syndrome 4. Last evaluated: 2025-01-28. Review status: criteria provided, single submitter. Criteria: Myriad Autosomal Dominant, Autosomal Recessive and X-Linked Classification Criteria (2023). Collection method: clinical testing. Allele origin: unknown.
Comment: This variant is considered benign. This variant is intronic and is not expected to impact mRNA splicing.